The following is an entry in ClinVar:

ClinVar aggregate classification (germline): Uncertain significance (1 of 4 stars; one submission).

gnomAD v4.1: 4 of 1,594,684 alleles (0.00025%); highest among the groups gnomAD compares: Middle Eastern, 0.017%; no homozygotes.

Submission:

Labcorp Genetics (formerly Invitae), Labcorp
Classification: Uncertain significance. Last evaluated: 2025-11-23. Review status: criteria provided, single submitter. Criteria: Invitae Variant Classification Sherloc (09022015). Collection method: clinical testing. Allele origin: germline.
Comment: This sequence change replaces aspartic acid, which is acidic and polar, with asparagine, which is neutral and polar, at codon 81 of the TRAPPC12 protein (p.Asp81Asn). The frequency data for this variant in the population databases is considered unreliable, as metrics indicate poor data quality at this position in the gnomAD database. This variant has not been reported in the literature in individuals affected with TRAPPC12-related conditions. Invitae Evidence Modeling of protein sequence and biophysical properties (such as structural, functional, and spatial information, amino acid conservation, physicochemical variation, residue mobility, and thermodynamic stability) indicates that this missense variant is expected to disrupt TRAPPC12 protein function with a positive predictive value of 80%. In summary, the available evidence is currently insufficient to determine the role of this variant in disease. Therefore, it has been classified as a Variant of Uncertain Significance.

NM_016030.6(TRAPPC12):c.241G>A (p.Asp81Asn)

Gene: TRAPPC12 (trafficking protein particle complex subunit 12; plus strand). Cytogenetic location: 2p25.3.
Variant type: single nucleotide variant.
Coding change: c.241G>A on transcript NM_016030.6 (MANE Select); coding-DNA position 241, G replaced by A.
Protein change: p.Asp81Asn; replaces aspartic acid 81 with asparagine.
Molecular consequence: missense variant.
Genome position (GRCh38, 1-based): chr2:3,387,864, G>A. VCF-style: chr2-3387864-G-A. GRCh37 (hg19) VCF-style: chr2-3391635-G-A.
Other names: c.241G>A, p.Asp81Asn (NM_001321102.2); short protein forms D81N.
Identifiers: ClinVar variation 4805738 (VCV004805738.1).